The following is an entry in ClinVar:

NM_001276270.2(MBD4):c.32T>G (p.Leu11Arg)

Genes: MBD4 (methyl-CpG binding domain 4, DNA glycosylase; minus strand), LOC129937550 (ATAC-STARR-seq lymphoblastoid active region 20512; plus strand). Cytogenetic location: 3q21.3.
Variant type: single nucleotide variant.
Coding change: c.32T>G on transcript NM_001276270.2 (MANE Select); coding-DNA position 32, T replaced by G.
Protein change: p.Leu11Arg; replaces leucine 11 with arginine.
Molecular consequence: missense variant.
Genome position (GRCh38, 1-based): chr3:129,439,802, A>C on the plus strand (T>G on the coding strand, the complement: MBD4 is on the minus strand). VCF-style: chr3-129439802-A-C. GRCh37 (hg19) VCF-style: chr3-129158645-A-C.
Other names: c.32T>G, p.Leu11Arg (NM_001276271.2, NM_001276272.2, NM_001276273.2 and 1 more transcripts); short protein forms L11R.
Identifiers: ClinVar variation 3870854 (VCV003870854.2).

ClinVar aggregate classification (germline): Uncertain significance. Review status: criteria provided, multiple submitters, no conflicts (2 of 4 stars). 2 submissions from 2 submitters: Uncertain significance (2). Last evaluated 2025-07-30.

Conditions:
Inborn genetic diseases. Identifiers: MedGen C0950123, MeSH D030342.

Submissions (2):

Labcorp Genetics (formerly Invitae), Labcorp
Classification: Uncertain significance. Last evaluated: 2025-07-30. Review status: criteria provided, single submitter. Criteria: Invitae Variant Classification Sherloc (09022015). Collection method: clinical testing. Allele origin: germline.
Comment: This sequence change replaces leucine, which is neutral and non-polar, with arginine, which is basic and polar, at codon 11 of the MBD4 protein (p.Leu11Arg). This variant is not present in population databases (gnomAD no frequency). This variant has not been reported in the literature in individuals affected with MBD4-related conditions. ClinVar contains an entry for this variant (Variation ID: 3870854). An algorithm developed to predict the effect of missense changes on protein structure and function (PolyPhen-2) suggests that this variant is likely to be disruptive. In summary, the available evidence is currently insufficient to determine the role of this variant in disease. Therefore, it has been classified as a Variant of Uncertain Significance.

Ambry Genetics
Classification: Uncertain significance for Inborn genetic diseases. Last evaluated: 2024-12-13. Review status: criteria provided, single submitter. Criteria: Ambry Variant Classification Scheme 2023. Collection method: clinical testing. Allele origin: germline.
Comment: The p.L11R variant (also known as c.32T>G), located in coding exon 1 of the MBD4 gene, results from a T to G substitution at nucleotide position 32. The leucine at codon 11 is replaced by arginine, an amino acid with dissimilar properties. This amino acid position is conserved. In addition, this alteration is predicted to be tolerated by in silico analysis. Based on the available evidence, the clinical significance of this variant remains unclear.